The following is an entry in ClinVar:

ClinVar aggregate classification (germline): Likely benign. Review status: criteria provided, multiple submitters, no conflicts (2 of 4 stars). 4 submissions from 4 submitters: Likely benign (2). 2 of the submissions do not count toward it. Last evaluated 2025-12-17.

Conditions:
RAB23-related disorder. Also called: RAB23-related condition.
RAB23-related Carpenter syndrome. Also called: ACPS II; Carpenter syndrome 1. Identifiers: Orphanet 65759, MedGen C4551510, MONDO:0008710, OMIM 201000.
Carpenter syndrome. Identifiers: Orphanet 65759, MedGen C1275078, MONDO:0019012.

Allele frequency attached by ClinVar (database versions not stated): ESP Exome Variant Server 0.00008; 1000 Genomes Project 30x 0.00016; TOPMed 0.00017; 1000 Genomes Project 0.00020; gnomAD 0.00016.
gnomAD v4.1: 116 of 1,612,750 alleles (0.0072%); highest among the groups gnomAD compares: East Asian, 0.047%; no homozygotes.

Submissions (4):

Labcorp Genetics (formerly Invitae), Labcorp
Classification: Likely benign for Carpenter syndrome. Last evaluated: 2025-12-17. Review status: criteria provided, single submitter. Criteria: Invitae Variant Classification Sherloc (09022015). Collection method: clinical testing. Allele origin: germline.

Blueprint Genetics
Classification: Likely benign. Last evaluated: 2024-10-10. Review status: criteria provided, single submitter. Criteria: ACMG Guidelines, 2015. Collection method: clinical testing. Allele origin: germline.

PreventionGenetics, part of Exact Sciences
Classification: Likely benign for RAB23-related condition. Last evaluated: 2022-05-25. Review status: no assertion criteria provided. Collection method: clinical testing. Allele origin: germline. Not counted in ClinVar's aggregate classification.
Comment: This variant is classified as likely benign based on ACMG/AMP sequence variant interpretation guidelines (Richards et al. 2015 PMID: 25741868, with internal and published modifications).

Natera, Inc.
Classification: Likely benign for Acrocephalopolysyndactyly type II. Last evaluated: 2020-09-16. Review status: no assertion criteria provided. Collection method: clinical testing. Allele origin: germline. Not counted in ClinVar's aggregate classification.

NM_016277.5(RAB23):c.552G>A (p.Thr184=)

Gene: RAB23 (RAB23, member RAS oncogene family; minus strand). Cytogenetic location: 6p12.1.
Variant type: single nucleotide variant.
Coding change: c.552G>A on transcript NM_016277.5 (MANE Select); coding-DNA position 552, G replaced by A.
Protein change: p.Thr184=; no amino-acid change (threonine 184 retained).
Molecular consequence: synonymous variant. On other transcripts: non-coding transcript variant (1).
Genome position (GRCh38, 1-based): chr6:57,193,864, C>T on the plus strand (G>A on the coding strand, the complement: RAB23 is on the minus strand). VCF-style: chr6-57193864-C-T. GRCh37 (hg19) VCF-style: chr6-57058662-C-T.
Other names: c.552G>A, p.Thr184= (NM_001278666.2, NM_001278667.2, NM_001278668.2 and 1 more transcripts).
Identifiers: ClinVar variation 701813 (VCV000701813.15), dbSNP rs201731610, ClinGen allele CA3873777.